The following is an entry in ClinVar:

NM_020381.4(PDSS2):c.277C>G (p.Pro93Ala)

Gene: PDSS2 (decaprenyl diphosphate synthase subunit 2; minus strand). Cytogenetic location: 6q21.
Variant type: single nucleotide variant.
Coding change: c.277C>G on transcript NM_020381.4 (MANE Select); coding-DNA position 277, C replaced by G.
Protein change: p.Pro93Ala; replaces proline 93 with alanine.
Molecular consequence: missense variant.
Genome position (GRCh38, 1-based): chr6:107,459,009, G>C on the plus strand (C>G on the coding strand, the complement: PDSS2 is on the minus strand). VCF-style: chr6-107459009-G-C. GRCh37 (hg19) VCF-style: chr6-107780213-G-C.
Other names: short protein forms P93A.
Identifiers: ClinVar variation 2187116 (VCV002187116.3), dbSNP rs143121266, ClinGen allele CA365325722.
Genomic context (GRCh38, chr6:107,459,009, plus strand): 5'-CCAATGAGTGCGAGTGTGTCAGCGGGAGAGGGGTAGCTCACCTGGCTGTGGTAAGCAGAG[G>C]GTGCTGAGTGCCCACCAGCTTCCGCACCTGCATAGCGATGTTGCTGAGCTCGTCGCTCAG-3'
Protein context (NP_065114.3, residues 83-103): QVRKLVGTQH[Pro93Ala]LLTTARGLVH

ClinVar aggregate classification (germline): Uncertain significance (1 of 4 stars; one submission).

gnomAD v4.1: 20 of 1,614,160 alleles (0.0012%); highest among the groups gnomAD compares: Non-Finnish European, 0.0014%; no homozygotes.

Submission:

Labcorp Genetics (formerly Invitae), Labcorp
Classification: Uncertain significance. Last evaluated: 2022-06-07. Review status: criteria provided, single submitter. Criteria: Invitae Variant Classification Sherloc (09022015). Collection method: clinical testing. Allele origin: germline.
Comment: In summary, the available evidence is currently insufficient to determine the role of this variant in disease. Therefore, it has been classified as a Variant of Uncertain Significance. Algorithms developed to predict the effect of missense changes on protein structure and function are either unavailable or do not agree on the potential impact of this missense change (SIFT: "Deleterious"; PolyPhen-2: "Probably Damaging"; Align-GVGD: "Class C0"). This variant has not been reported in the literature in individuals affected with PDSS2-related conditions. This variant is present in population databases (no rsID available, gnomAD 0.002%). This sequence change replaces proline, which is neutral and non-polar, with alanine, which is neutral and non-polar, at codon 93 of the PDSS2 protein (p.Pro93Ala).